The following is an entry in ClinVar:

NM_005101.4(ISG15):c.486C>T (p.Gly162=)

Gene: ISG15 (ISG15 ubiquitin like modifier; plus strand). Cytogenetic location: 1p36.33.
Variant type: single nucleotide variant.
Coding change: c.486C>T on transcript NM_005101.4 (MANE Select); coding-DNA position 486, C replaced by T.
Protein change: p.Gly162=; no amino-acid change (glycine 162 retained).
Molecular consequence: synonymous variant.
Genome position (GRCh38, 1-based): chr1:1,014,466, C>T. VCF-style: chr1-1014466-C-T. GRCh37 (hg19) VCF-style: chr1-949846-C-T.
Other names: c.486C>T (NM_005101.3).
Identifiers: ClinVar variation 1590244 (VCV001590244.11), dbSNP rs190639525, ClinGen allele CA507729.

ClinVar aggregate classification (germline): Likely benign. Review status: criteria provided, multiple submitters, no conflicts (2 of 4 stars). 3 submissions from 3 submitters: Likely benign (2). 1 of the submissions does not count toward it. Last evaluated 2026-02-01.

Conditions:
Mendelian susceptibility to mycobacterial diseases due to complete ISG15 deficiency. Also called: IMMUNODEFICIENCY 38, MYCOBACTERIOSIS, AUTOSOMAL RECESSIVE; ISG15 DEFICIENCY, AUTOSOMAL RECESSIVE; Immunodeficiency 38 with basal ganglia calcification; Immunodeficiency 38. Identifiers: Orphanet 319563, MedGen C4015293, MONDO:0014502, OMIM 616126.
ISG15-related disorder. Also called: ISG15-related condition.

Allele frequency attached by ClinVar (database versions not stated): gnomAD exomes 0.00006 and 0.00012; gnomAD 0.00007 and 0.00009; ESP Exome Variant Server 0.00008; TOPMed 0.00009; ExAC 0.00012; 1000 Genomes Project 0.00060; 1000 Genomes Project 30x 0.00078.
gnomAD v4.1: 97 of 1,604,568 alleles (0.006%); highest among the groups gnomAD compares: East Asian, 0.047%; no homozygotes.

Submissions (3):

Labcorp Genetics (formerly Invitae), Labcorp
Classification: Likely benign for Mendelian susceptibility to mycobacterial diseases due to complete ISG15 deficiency. Last evaluated: 2026-02-01. Review status: criteria provided, single submitter. Criteria: Invitae Variant Classification Sherloc (09022015). Collection method: clinical testing. Allele origin: germline.

Blueprint Genetics
Classification: Likely benign. Last evaluated: 2024-09-10. Review status: criteria provided, single submitter. Criteria: ACMG Guidelines, 2015. Collection method: clinical testing. Allele origin: germline.

PreventionGenetics, part of Exact Sciences
Classification: Likely benign for ISG15-related condition. Last evaluated: 2020-03-03. Review status: no assertion criteria provided. Collection method: clinical testing. Allele origin: germline. Not counted in ClinVar's aggregate classification.
Comment: This variant is classified as likely benign based on ACMG/AMP sequence variant interpretation guidelines (Richards et al. 2015 PMID: 25741868, with internal and published modifications).